The following is an entry in ClinVar:

NM_001270974.2(HYDIN):c.2419_2422del (p.Val807fs)

Gene: HYDIN (HYDIN axonemal central pair apparatus protein; minus strand). Cytogenetic location: 16q22.2.
Variant type: Deletion.
Coding change: c.2419_2422del on transcript NM_001270974.2 (MANE Select); coding-DNA positions 2419 to 2422, 4 bases deleted (GTCC; older notation c.2419_2422delGTCC).
Protein change: p.Val807fs; shifts the reading frame from valine 807.
Molecular consequence: frameshift variant.
Genome position (GRCh38, 1-based): chr16:71,060,611-71,060,614, GGAC deleted on the plus strand (GTCC on the coding strand, the reverse complement: HYDIN is on the minus strand); deleting any 4 consecutive bases within chr16:71,060,611-71,060,615 gives the same sequence; the c. name uses the placement nearest the transcript's 3' end. VCF-style (leftmost placement, unchanged base first): chr16-71060610-TGGAC-T. GRCh37 (hg19) VCF-style: chr16-71094513-TGGAC-T.
Other names: c.2500_2503del, p.Val834fs (NM_001198542.1); c.2470_2473del, p.Val824fs (NM_001198543.1); c.2419_2422del, p.Val807fs (NM_017558.5); short protein forms V807fs, V824fs, V834fs.
Identifiers: ClinVar variation 3027476 (VCV003027476.1), dbSNP rs2507345875, ClinGen allele CA2740093418.

ClinVar aggregate classification (germline): Likely pathogenic (1 of 4 stars; one submission).

Conditions:
Primary ciliary dyskinesia 5. Also called: CILIARY DYSKINESIA, PRIMARY, 5, WITHOUT SITUS INVERSUS. Identifiers: Orphanet 244, MedGen C1837615, MONDO:0012088, OMIM 608647.

Submission:

Royal Brompton Clinical Genetics And Genomics Laboratory, NHS South East Genomic Laboratory Hub
Classification: Likely pathogenic for Primary ciliary dyskinesia 5. Last evaluated: 2024-03-06. Review status: criteria provided, single submitter. Criteria: RBHT-CGGL ClinVar Assertion Criteria. Collection method: clinical testing. Allele origin: germline. Affected: yes. Observed: 1 variant allele.